The following is an entry in ClinVar:

NM_005359.6(SMAD4):c.1646A>C (p.Gln549Pro)

Gene: SMAD4 (SMAD family member 4; plus strand). Cytogenetic location: 18q21.2.
Variant type: single nucleotide variant.
Coding change: c.1646A>C on transcript NM_005359.6 (MANE Select); coding-DNA position 1646, A replaced by C.
Protein change: p.Gln549Pro; replaces glutamine 549 with proline.
Molecular consequence: missense variant. On other transcripts: non-coding transcript variant (1).
Genome position (GRCh38, 1-based): chr18:51,078,454, A>C. VCF-style: chr18-51078454-A-C. GRCh37 (hg19) VCF-style: chr18-48604824-A-C.
Other names: c.1646A>C, p.Gln549Pro (NM_001407041.1, NM_001407042.1); short protein forms Q549P.
Identifiers: ClinVar variation 2774531 (VCV002774531.4), dbSNP rs2144479787, ClinGen allele CA402466219.

ClinVar aggregate classification (germline): Uncertain significance. Review status: criteria provided, multiple submitters, no conflicts (2 of 4 stars). 2 submissions from 2 submitters: Uncertain significance (2). Last evaluated 2024-07-01.

Conditions:
Juvenile polyposis syndrome (JPS). Identifiers: Orphanet 2929, MedGen C0345893, MONDO:0017380, OMIM 174900.
Hereditary cancer-predisposing syndrome. Also called: Hereditary Cancer Syndrome; Hereditary neoplastic syndrome; Tumor predisposition; Neoplastic Syndromes, Hereditary. Identifiers: Orphanet 140162, MedGen C0027672, MeSH D009386, MONDO:0015356.

Submissions (2):

Labcorp Genetics (formerly Invitae), Labcorp
Classification: Uncertain significance for Juvenile polyposis syndrome. Last evaluated: 2024-07-01. Review status: criteria provided, single submitter. Criteria: Invitae Variant Classification Sherloc (09022015). Collection method: clinical testing. Allele origin: germline.
Comment: This sequence change replaces glutamine, which is neutral and polar, with proline, which is neutral and non-polar, at codon 549 of the SMAD4 protein (p.Gln549Pro). This variant is not present in population databases (gnomAD no frequency). This variant has not been reported in the literature in individuals affected with SMAD4-related conditions. Advanced modeling of protein sequence and biophysical properties (such as structural, functional, and spatial information, amino acid conservation, physicochemical variation, residue mobility, and thermodynamic stability) performed at Invitae indicates that this missense variant is not expected to disrupt SMAD4 protein function with a negative predictive value of 95%. In summary, the available evidence is currently insufficient to determine the role of this variant in disease. Therefore, it has been classified as a Variant of Uncertain Significance.

Color Diagnostics, LLC DBA Color Health
Classification: Uncertain significance for Hereditary cancer-predisposing syndrome. Last evaluated: 2023-08-30. Review status: criteria provided, single submitter. Criteria: ACMG Guidelines, 2015. Collection method: clinical testing. Allele origin: germline.
Comment: This missense variant replaces glutamine with proline at codon 549 of the SMAD4 protein. Computational prediction suggests that this variant may not impact protein structure and function (internally defined REVEL score threshold <= 0.5, PMID: 27666373). To our knowledge, functional studies have not been reported for this variant. This variant has not been reported in individuals affected with SMAD4-related disorders in the literature. This variant has not been identified in the general population by the Genome Aggregation Database (gnomAD). The available evidence is insufficient to determine the role of this variant in disease conclusively. Therefore, this variant is classified as a Variant of Uncertain Significance.